The following is an entry in ClinVar:

ClinVar aggregate classification (germline): Likely pathogenic (1 of 4 stars; one submission).

Conditions:
Congenital afibrinogenemia. Identifiers: Orphanet 335, Orphanet 98880, MedGen C2584774, MONDO:0008737, OMIM 202400.

Submission:

Neuberg Centre For Genomic Medicine, NCGM
Classification: Likely pathogenic for Congenital afibrinogenemia. Last evaluated: 2023-06-22. Review status: criteria provided, single submitter. Criteria: ACMG Guidelines, 2015. Collection method: clinical testing. Allele origin: germline. Inheritance: Autosomal recessive inheritance. Affected: yes.
Comment: The observed frameshift c.473dup(p.Asn158LysfsTer3) variant in FGA gene has not been reported previously as a pathogenic variant nor as a benign variant, to our knowledge. This variant is absent in gnomAD Exomes. This variant causes a frameshift starting with codon Asparagine 158, changes this amino acid to Lysine residue, and creates a premature Stop codon at position 3 of the new reading frame, denoted p.Asn158LysfsTer3. This variant is predicted to cause loss of normal protein function through protein truncation. Loss of function variants have been previously reported to be disease causing. For these reasons, this variant has been classified as Likely Pathogenic. In the absence of variant status in spouse, the molecular diagnosis is not confirmed.

NM_021871.4(FGA):c.473dup (p.Asn158fs)

Gene: FGA (fibrinogen alpha chain; minus strand). Cytogenetic location: 4q31.3.
Variant type: Duplication.
Coding change: c.473dup on transcript NM_021871.4 (MANE Select); coding-DNA position 473, one base duplicated (A; older notation c.473dupA).
Protein change: p.Asn158fs; shifts the reading frame from asparagine 158.
Molecular consequence: frameshift variant.
Genome position (GRCh38, 1-based): chr4:154,587,549, T duplicated on the plus strand (A on the coding strand, the reverse complement: FGA is on the minus strand); the first of 5 consecutive T bases (chr4:154,587,549-154,587,553); duplicating any one gives the same sequence. VCF-style (leftmost placement, unchanged base first): chr4-154587548-A-AT. GRCh37 (hg19) VCF-style: chr4-155508700-A-AT.
Other names: c.473dup, p.Asn158fs (NM_000508.5); short protein forms N158fs.
Identifiers: ClinVar variation 3377668 (VCV003377668.1).